The following is an entry in ClinVar:

ClinVar aggregate classification (germline): Conflicting classifications of pathogenicity. Review status: criteria provided, conflicting classifications (1 of 4 stars). 3 submissions from 3 submitters: Uncertain significance (1); Likely benign (1). 1 of the submissions does not count toward it. Last evaluated 2024-10-22.

Conditions:
Hereditary cancer-predisposing syndrome. Also called: Tumor predisposition; Neoplastic Syndromes, Hereditary; Hereditary Cancer Syndrome; Hereditary neoplastic syndrome. Identifiers: Orphanet 140162, MedGen C0027672, MeSH D009386, MONDO:0015356.
Breast-ovarian cancer, familial, susceptibility to, 1 (BROVCA1). Also called: BRCA1 Hereditary Breast and Ovarian Cancer; OVARIAN CANCER, SUSCEPTIBILITY TO. Identifiers: Orphanet 145, MedGen C2676676, MONDO:0011450, OMIM 604370. Disease mechanism: loss of function.
Hereditary breast ovarian cancer syndrome. Also called: Hereditary breast and ovarian cancer syndrome (HBOC); Breast and ovarian cancer; Hereditary breast and/or ovarian cancer syndrome; BRCA1- and BRCA2-Associated Hereditary Breast and Ovarian Cancer; Hereditary breast and ovarian cancer; Hereditary breast and ovarian cancer syndrome. Identifiers: Orphanet 145, MedGen C0677776, MeSH D061325, MONDO:0003582. Disease mechanism: loss of function.

Submissions (3):

Labcorp Genetics (formerly Invitae), Labcorp
Classification: Uncertain significance for Hereditary breast ovarian cancer syndrome. Last evaluated: 2024-10-22. Review status: criteria provided, single submitter. Criteria: Invitae Variant Classification Sherloc (09022015). Collection method: clinical testing. Allele origin: germline.
Comment: This sequence change replaces alanine, which is neutral and non-polar, with valine, which is neutral and non-polar, at codon 521 of the BRCA1 protein (p.Ala521Val). This variant is not present in population databases (gnomAD no frequency). This variant has not been reported in the literature in individuals affected with BRCA1-related conditions. ClinVar contains an entry for this variant (Variation ID: 2068874). Invitae Evidence Modeling of protein sequence and biophysical properties (such as structural, functional, and spatial information, amino acid conservation, physicochemical variation, residue mobility, and thermodynamic stability) indicates that this missense variant is not expected to disrupt BRCA1 protein function with a negative predictive value of 80%. In summary, the available evidence is currently insufficient to determine the role of this variant in disease. Therefore, it has been classified as a Variant of Uncertain Significance.

University of Washington Department of Laboratory Medicine, University of Washington
Classification: Likely benign for Hereditary cancer-predisposing syndrome. Last evaluated: 2023-03-23. Review status: criteria provided, single submitter. Criteria: Dines et al. (Genet Med. 2020). Collection method: curation. Allele origin: germline.
Comment: Missense variant in a coldspot region where missense variants are very unlikely to be pathogenic (PMID:31911673).

BRCA1 coldspot (exon 11 using historical exon numbering). Reclassification based on statistical prior probability

Department of Medical and Surgical Sciences, University of Bologna
Classification: Likely benign for Breast-ovarian cancer, familial, susceptibility to, 1. Last evaluated: 2023-09-01. Review status: no assertion criteria provided. Collection method: clinical testing. Allele origin: germline. Affected: yes. Not counted in ClinVar's aggregate classification.
Comment: BP1(Strong) according to ACMG/AMP classification guidelines specified for BRCA1 & BRCA2 (Classification Criteria V1.0.0 2023-09-08) (PMID: 38160042)

NM_007294.4(BRCA1):c.1562C>T (p.Ala521Val)

Gene: BRCA1 (BRCA1 DNA repair associated; minus strand). Cytogenetic location: 17q21.31.
Variant type: single nucleotide variant.
Coding change: c.1562C>T on transcript NM_007294.4 (MANE Select); coding-DNA position 1562, C replaced by T.
Protein change: p.Ala521Val; replaces alanine 521 with valine.
Molecular consequence: missense variant. On other transcripts: intron variant (137).
Genome position (GRCh38, 1-based): chr17:43,093,969, G>A on the plus strand (C>T on the coding strand, the complement: BRCA1 is on the minus strand). VCF-style: chr17-43093969-G-A. GRCh37 (hg19) VCF-style: chr17-41245986-G-A.
Other names: c.1559C>T, p.Ala520Val (NM_001407611.1, NM_001407612.1, NM_001407613.1 and 22 more transcripts); c.1562C>T, p.Ala521Val (NM_001407618.1, NM_001407619.1, NM_001407620.1 and 30 more transcripts); c.1421C>T, p.Ala474Val (NM_001407725.1, NM_001407735.1, NM_001407736.1 and 29 more transcripts); c.1298C>T, p.Ala433Val (NM_001407928.1, NM_001407929.1, NM_001407933.1 and 9 more transcripts); c.1484C>T, p.Ala495Val (NM_001407653.1, NM_001407654.1, NM_001407655.1 and 4 more transcripts); c.1295C>T, p.Ala432Val (NM_001407930.1, NM_001407931.1, NM_001407932.1 and 2 more transcripts); c.1418C>T, p.Ala473Val (NM_001407740.1, NM_001407741.1, NM_001407742.1 and 20 more transcripts); c.1481C>T, p.Ala494Val (NM_001407659.1, NM_001407660.1, NM_001407661.1 and 1 more transcripts); and 40 more; short protein forms A409V, A454V, A474V, A494V, A225V, A353V, A393V, A394V.
Identifiers: ClinVar variation 2068874 (VCV002068874.7), dbSNP rs2154436230, ClinGen allele CA10598918.
Genomic context (GRCh38, chr17:43,093,969, plus strand): 5'-TGCTCCGTTTGGTTAGTTCCCTGATTTATCATTTCAGGAGTCTTTTGAACTGCCAAATCT[G>A]CTTTCTTGATAAAATCCTCAGGATGAAGGCCTGATGTAGGTCTCCTTTTACGCTTTAATT-3'
Protein context (NP_009225.1, residues 511-531): GLHPEDFIKK[Ala521Val]DLAVQKTPEM